The following is an entry in ClinVar:

NM_000540.3(RYR1):c.13703T>C (p.Leu4568Pro)

Gene: RYR1 (ryanodine receptor 1; plus strand). Cytogenetic location: 19q13.2.
Variant type: single nucleotide variant.
Coding change: c.13703T>C on transcript NM_000540.3 (MANE Select); coding-DNA position 13703, T replaced by C.
Protein change: p.Leu4568Pro; replaces leucine 4568 with proline.
Molecular consequence: missense variant.
Genome position (GRCh38, 1-based): chr19:38,570,650, T>C. VCF-style: chr19-38570650-T-C. GRCh37 (hg19) VCF-style: chr19-39061290-T-C.
Other names: c.13688T>C, p.Leu4563Pro (NM_001042723.2); short protein forms L4568P, L4563P.
Identifiers: ClinVar variation 65959 (VCV000065959.13), dbSNP rs118192131, ClinGen allele CA024069.

ClinVar aggregate classification (germline): Conflicting classifications of pathogenicity. Review status: criteria provided, conflicting classifications (1 of 4 stars). 4 submissions from 4 submitters: Pathogenic (1); Uncertain significance (1). 2 of the submissions do not count toward it. Last evaluated 2024-02-23.

Conditions:
RYR1-related disorder. Also called: RYR1-related condition; RYR1-related disorders. Identifiers: MedGen CN239331.
Central core myopathy (CMYO1A). Also called: Central core disease; Myopathy, central fibrillar; CONGENITAL MYOPATHY 1A, AUTOSOMAL DOMINANT, WITH SUSCEPTIBILITY TO MALIGNANT HYPERTHERMIA. Identifiers: Orphanet 597, MedGen C5830701, MONDO:0007294, OMIM 117000.

Submissions (4):

Revvity Omics, Revvity
Classification: Uncertain significance. Last evaluated: 2024-02-23. Review status: criteria provided, single submitter. Criteria: ACMG Guidelines, 2015. Collection method: clinical testing. Allele origin: germline.

Labcorp Genetics (formerly Invitae), Labcorp
Classification: Pathogenic for RYR1-related disorder. Last evaluated: 2022-08-23. Review status: criteria provided, single submitter. Criteria: Invitae Variant Classification Sherloc (09022015). Collection method: clinical testing. Allele origin: germline.
Comment: This sequence change replaces leucine, which is neutral and non-polar, with proline, which is neutral and non-polar, at codon 4568 of the RYR1 protein (p.Leu4568Pro). For these reasons, this variant has been classified as Pathogenic. Advanced modeling of protein sequence and biophysical properties (such as structural, functional, and spatial information, amino acid conservation, physicochemical variation, residue mobility, and thermodynamic stability) performed at Invitae indicates that this missense variant is expected to disrupt RYR1 protein function. ClinVar contains an entry for this variant (Variation ID: 65959). This missense change has been observed in individuals with clinical features of autosomal dominant RYR1-related myopathy (PMID: 16621918, 33458582; Invitae). This variant is not present in population databases (gnomAD no frequency).

GeneReviews
Classification: Pathogenic for Central Core Disease. Last evaluated: 2010-05-11. Review status: no assertion criteria provided. Collection method: curation. Allele origin: unknown. Not counted in ClinVar's aggregate classification.
ClinVar note: Converted during submission from pathologic to Pathogenic.

RYR1 database
No classification provided. Review status: no classification provided. Collection method: not provided. Allele origin: unknown. Not counted in ClinVar's aggregate classification.

Literature cited by the submitters: PubMed 16621918 (cited by Labcorp Genetics (formerly Invitae), Labcorp); PubMed 33458582 (cited by Labcorp Genetics (formerly Invitae), Labcorp).